The following is an entry in ClinVar:

NM_002608.4(PDGFB):c.685A>G (p.Thr229Ala)

Gene: PDGFB (platelet derived growth factor subunit B; minus strand). Cytogenetic location: 22q13.1.
Variant type: single nucleotide variant.
Coding change: c.685A>G on transcript NM_002608.4 (MANE Select); coding-DNA position 685, A replaced by G.
Protein change: p.Thr229Ala; replaces threonine 229 with alanine.
Molecular consequence: missense variant.
Genome position (GRCh38, 1-based): chr22:39,225,764, T>C on the plus strand (A>G on the coding strand, the complement: PDGFB is on the minus strand). VCF-style: chr22-39225764-T-C. GRCh37 (hg19) VCF-style: chr22-39621769-T-C.
Other names: c.640A>G, p.Thr214Ala (NM_033016.3); short protein forms T214A, T229A.
Identifiers: ClinVar variation 4804221 (VCV004804221.1).

ClinVar aggregate classification (germline): Uncertain significance (1 of 4 stars; one submission).

Submission:

Labcorp Genetics (formerly Invitae), Labcorp
Classification: Uncertain significance. Last evaluated: 2025-07-21. Review status: criteria provided, single submitter. Criteria: Invitae Variant Classification Sherloc (09022015). Collection method: clinical testing. Allele origin: germline.
Comment: This sequence change replaces threonine, which is neutral and polar, with alanine, which is neutral and non-polar, at codon 229 of the PDGFB protein (p.Thr229Ala). This variant is not present in population databases (gnomAD no frequency). This variant has not been reported in the literature in individuals affected with PDGFB-related conditions. An algorithm developed to predict the effect of missense changes on protein structure and function (PolyPhen-2) suggests that this variant is likely to be tolerated. In summary, the available evidence is currently insufficient to determine the role of this variant in disease. Therefore, it has been classified as a Variant of Uncertain Significance.